The following is an entry in ClinVar:

ClinVar aggregate classification (germline): Uncertain significance. Review status: criteria provided, multiple submitters, no conflicts (2 of 4 stars). 2 submissions from 2 submitters: Uncertain significance (2). Last evaluated 2023-12-13.

Conditions:
Infantile spasms. Also called: Infantile spasm. Identifiers: MedGen C3887898, HP:0012469.

Allele frequency attached by ClinVar (database versions not stated): gnomAD 0.00001; TOPMed 0.00002; gnomAD exomes 0.00004; ExAC 0.00005.
gnomAD v4.1: 58 of 1,614,038 alleles (0.0036%); highest among the groups gnomAD compares: Non-Finnish European, 0.0042%; no homozygotes.

Submissions (2):

Labcorp Genetics (formerly Invitae), Labcorp
Classification: Uncertain significance for Infantile spasms. Last evaluated: 2023-12-13. Review status: criteria provided, single submitter. Criteria: Invitae Variant Classification Sherloc (09022015). Collection method: clinical testing. Allele origin: germline.
Comment: This sequence change replaces threonine, which is neutral and polar, with alanine, which is neutral and non-polar, at codon 231 of the PIK3AP1 protein (p.Thr231Ala). The frequency data for this variant in the population databases is considered unreliable, as metrics indicate poor data quality at this position in the gnomAD database. This variant has not been reported in the literature in individuals affected with PIK3AP1-related conditions. ClinVar contains an entry for this variant (Variation ID: 578581). An algorithm developed to predict the effect of missense changes on protein structure and function (PolyPhen-2) suggests that this variant is likely to be disruptive. In summary, the available evidence is currently insufficient to determine the role of this variant in disease. Therefore, it has been classified as a Variant of Uncertain Significance.

Ambry Genetics
Classification: Uncertain significance. Last evaluated: 2022-07-12. Review status: criteria provided, single submitter. Criteria: Ambry Variant Classification Scheme 2023. Collection method: clinical testing. Allele origin: germline.

NM_152309.3(PIK3AP1):c.691A>G (p.Thr231Ala)

Gene: PIK3AP1 (phosphoinositide-3-kinase adaptor protein 1; minus strand). Cytogenetic location: 10q24.1.
Variant type: single nucleotide variant.
Coding change: c.691A>G on transcript NM_152309.3 (MANE Select); coding-DNA position 691, A replaced by G.
Protein change: p.Thr231Ala; replaces threonine 231 with alanine.
Molecular consequence: missense variant.
Genome position (GRCh38, 1-based): chr10:96,652,719, T>C on the plus strand (A>G on the coding strand, the complement: PIK3AP1 is on the minus strand). VCF-style: chr10-96652719-T-C. GRCh37 (hg19) VCF-style: chr10-98412476-T-C.
Other names: short protein forms T231A.
Identifiers: ClinVar variation 578581 (VCV000578581.9), dbSNP rs201805846, ClinGen allele CA5626481.